The following is an entry in ClinVar:

ClinVar aggregate classification (germline): Uncertain significance (1 of 4 stars; one submission).

Conditions:
Cardiovascular phenotype. Identifiers: MedGen CN230736.

gnomAD v4.1: 1 of 1,612,484 alleles (0.000062%); highest among the groups gnomAD compares: African/African-American, 0.0013%; no homozygotes.

Submission:

Ambry Genetics
Classification: Uncertain significance for Cardiovascular phenotype. Last evaluated: 2026-08-29. Review status: criteria provided, single submitter. Criteria: Ambry Variant Classification Scheme 2023. Collection method: clinical testing. Allele origin: germline.
Comment: The p.E2325D variant (also known as c.6975G>T), located in coding exon 41 of the FLNC gene, results from a G to T substitution at nucleotide position 6975. The glutamic acid at codon 2325 is replaced by aspartic acid, an amino acid with highly similar properties. This amino acid position is conserved. In addition, this alteration is predicted to be tolerated by in silico analysis. Based on the available evidence, the clinical significance of this variant remains unclear.

NM_001458.5(FLNC):c.6975G>T (p.Glu2325Asp)

Genes: FLNC (filamin C; plus strand), FLNC-AS1 (FLNC antisense RNA 1; minus strand). Cytogenetic location: 7q32.1.
Variant type: single nucleotide variant.
Coding change: c.6975G>T on transcript NM_001458.5 (MANE Select); coding-DNA position 6975, G replaced by T.
Protein change: p.Glu2325Asp; replaces glutamic acid 2325 with aspartic acid.
Molecular consequence: missense variant.
Genome position (GRCh38, 1-based): chr7:128,854,660, G>T. VCF-style: chr7-128854660-G-T. GRCh37 (hg19) VCF-style: chr7-128494714-G-T.
Other names: c.6876G>T, p.Glu2292Asp (NM_001127487.2); short protein forms E2325D, E2292D.
Identifiers: ClinVar variation 5021967 (VCV005021967.1).